The following is an entry in ClinVar:

ClinVar aggregate classification (germline): Uncertain significance (1 of 4 stars; one submission).

gnomAD v4.1: 2 of 1,613,898 alleles (0.00012%); highest among the groups gnomAD compares: Admixed American, 0.0017%; no homozygotes.

Submission:

Ambry Genetics
Classification: Uncertain significance. Last evaluated: 2026-08-08. Review status: criteria provided, single submitter. Criteria: Ambry Variant Classification Scheme 2023. Collection method: clinical testing. Allele origin: germline.
Comment: The p.R585P variant (also known as c.1754G>C), located in coding exon 11 of the MYOM1 gene, results from a G to C substitution at nucleotide position 1754. The arginine at codon 585 is replaced by proline, an amino acid with dissimilar properties. This amino acid position is conserved. In addition, this alteration is predicted to be deleterious by in silico analysis. Based on the available evidence, the clinical significance of this variant remains unclear.

NM_003803.4(MYOM1):c.1754G>C (p.Arg585Pro)

Gene: MYOM1 (myomesin 1; minus strand). Cytogenetic location: 18p11.31.
Variant type: single nucleotide variant.
Coding change: c.1754G>C on transcript NM_003803.4 (MANE Select); coding-DNA position 1754, G replaced by C.
Protein change: p.Arg585Pro; replaces arginine 585 with proline.
Molecular consequence: missense variant.
Genome position (GRCh38, 1-based): chr18:3,151,783, C>G on the plus strand (G>C on the coding strand, the complement: MYOM1 is on the minus strand). VCF-style: chr18-3151783-C-G. GRCh37 (hg19) VCF-style: chr18-3151781-C-G.
Other names: c.1754G>C, p.Arg585Pro (NM_019856.2); short protein forms R585P.
Identifiers: ClinVar variation 5025279 (VCV005025279.1).